The following is an entry in ClinVar:

NM_031935.3(HMCN1):c.9329C>G (p.Ala3110Gly)

Gene: HMCN1 (hemicentin 1; plus strand). Cytogenetic location: 1q31.1.
Variant type: single nucleotide variant.
Coding change: c.9329C>G on transcript NM_031935.3 (MANE Select); coding-DNA position 9329, C replaced by G.
Protein change: p.Ala3110Gly; replaces alanine 3110 with glycine.
Molecular consequence: missense variant.
Genome position (GRCh38, 1-based): chr1:186,087,611, C>G. VCF-style: chr1-186087611-C-G. GRCh37 (hg19) VCF-style: chr1-186056743-C-G.
Other names: short protein forms A3110G.
Identifiers: ClinVar variation 2870948 (VCV002870948.3), dbSNP rs1479537661, ClinGen allele CA343920277.
Genomic context (GRCh38, chr1:186,087,611, plus strand): 5'-TCATCACTTGGTATAAGAATGGGCGGATGATAACAGAGTCTACTCATGTGGAGATTTTAG[C>G]TGATGGACAAATGCTACACATTAAGAAAGCTGAGGTGCATCTTTTATTCTTGTTTGAGTG-3'
Protein context (NP_114141.2, residues 3100-3120): ITESTHVEIL[Ala3110Gly]DGQMLHIKKA

ClinVar aggregate classification (germline): Uncertain significance (1 of 4 stars; one submission).

Allele frequency attached by ClinVar (database versions not stated): gnomAD 0.00001; TOPMed 0.00001.
gnomAD v4.1: 4 of 1,613,078 alleles (0.00025%); highest among the groups gnomAD compares: African/African-American, 0.004%; no homozygotes.

Submission:

Labcorp Genetics (formerly Invitae), Labcorp
Classification: Uncertain significance. Last evaluated: 2023-04-24. Review status: criteria provided, single submitter. Criteria: Invitae Variant Classification Sherloc (09022015). Collection method: clinical testing. Allele origin: germline.
Comment: Algorithms developed to predict the effect of missense changes on protein structure and function output the following: SIFT: "Not Available"; PolyPhen-2: "Probably Damaging"; Align-GVGD: "Not Available". The glycine amino acid residue is found in multiple mammalian species, which suggests that this missense change does not adversely affect protein function. This variant has not been reported in the literature in individuals affected with HMCN1-related conditions. This variant is not present in population databases (gnomAD no frequency). This sequence change replaces alanine, which is neutral and non-polar, with glycine, which is neutral and non-polar, at codon 3110 of the HMCN1 protein (p.Ala3110Gly). Algorithms developed to predict the effect of sequence changes on RNA splicing suggest that this variant may disrupt the consensus splice site. In summary, the available evidence is currently insufficient to determine the role of this variant in disease. Therefore, it has been classified as a Variant of Uncertain Significance.